The following is an entry in ClinVar:

ClinVar aggregate classification (germline): Pathogenic (1 of 4 stars; one submission).

Conditions:
Hereditary nonpolyposis colon cancer (HNPCC). Also called: Hereditary Nonpolyposis Colorectal Cancer Syndrome; Hereditary nonpolyposis colorectal cancer; Familial nonpolyposis colon cancer. Identifiers: Orphanet 443909, MedGen C1333990, MONDO:0018630. Disease mechanism: loss of function.

Submission:

Women's Health and Genetics/Laboratory Corporation of America, LabCorp
Classification: Pathogenic for Hereditary nonpolyposis colon cancer. Last evaluated: 2025-02-04. Review status: criteria provided, single submitter. Criteria: LabCorp Variant Classification Summary - May 2015. Collection method: clinical testing. Allele origin: germline.
Comment: Variant summary: PMS2 c.1359dupG (p.Leu454AlafsX4) results in a premature termination codon, predicted to cause a truncation of the encoded protein or absence of the protein due to nonsense mediated decay, which are commonly known mechanisms for disease. The variant was absent in 251478 control chromosomes. To our knowledge, no occurrence of c.1359dupG in individuals affected with Lynch Syndrome and no experimental evidence demonstrating its impact on protein function have been reported. No submitters have cited clinical-significance assessments for this variant to ClinVar. Based on the evidence outlined above, the variant was classified as pathogenic.

NM_000535.7(PMS2):c.1359dup (p.Leu454fs)

Gene: PMS2 (PMS1 homolog 2, mismatch repair system component; minus strand). Cytogenetic location: 7p22.1.
Variant type: Duplication.
Coding change: c.1359dup on transcript NM_000535.7 (MANE Select); coding-DNA position 1359, one base duplicated (G; older notation c.1359dupG).
Protein change: p.Leu454fs; shifts the reading frame from leucine 454.
Molecular consequence: frameshift variant. On other transcripts: non-coding transcript variant (1), intron variant (1).
Genome position (GRCh38, 1-based): chr7:5,987,406, C duplicated on the plus strand (G on the coding strand, the reverse complement: PMS2 is on the minus strand). VCF-style (leftmost placement, unchanged base first): chr7-5987405-G-GC. GRCh37 (hg19) VCF-style: chr7-6027036-G-GC.
Other names: c.954dup, p.Leu319fs (NM_001322003.2, NM_001322004.2, NM_001322005.2 and 16 more transcripts); c.1203dup, p.Leu402fs (NM_001322006.2, NM_001406870.1); c.1041dup, p.Leu348fs (NM_001322007.2, NM_001322008.2, NM_001406876.1 and 2 more transcripts); c.798dup, p.Leu267fs (NM_001322010.2, NM_001406906.1, NM_001406907.1); c.426dup, p.Leu143fs (NM_001322011.2, NM_001322012.2); c.786dup, p.Leu263fs (NM_001322013.2, NM_001406909.1); c.1359dup, p.Leu454fs (NM_001322014.2, NM_001406871.1, NM_001406872.1); c.1050dup, p.Leu351fs (NM_001322015.2, NM_001406875.1, NM_001406877.1 and 5 more transcripts); and 14 more; short protein forms L143fs, L197fs, L263fs, L267fs, L283fs, L296fs, L299fs, L319fs.
Identifiers: ClinVar variation 3768787 (VCV003768787.1).